The following is an entry in ClinVar:

ClinVar aggregate classification (germline): Conflicting classifications of pathogenicity. Review status: criteria provided, conflicting classifications (1 of 4 stars). 12 submissions from 12 submitters: Uncertain significance (1); Benign (4); Likely benign (3). 4 of the submissions do not count toward it. Last evaluated 2026-03-10.

Conditions:
MYH6-related disorder. Also called: MYH6-Related Disorders; MYH6-related condition.
Hypertrophic cardiomyopathy 14. Identifiers: MedGen C2750467, MONDO:0013197, OMIM 613251.

Allele frequency attached by ClinVar (database versions not stated): ExAC 0.00039; 1000 Genomes Project 0.00120; gnomAD 0.00129 and 0.00141; ESP Exome Variant Server 0.00138; 1000 Genomes Project 30x 0.00141; TOPMed 0.00151.
gnomAD v4.1: 417 of 1,613,836 alleles (0.026%); highest among the groups gnomAD compares: African/African-American, 0.52%; 2 homozygotes.

Submissions (12):

Women's Health and Genetics/Laboratory Corporation of America, LabCorp
Classification: Benign. Last evaluated: 2026-03-10. Review status: criteria provided, single submitter. Criteria: LabCorp Variant Classification Summary - May 2015. Collection method: clinical testing. Allele origin: germline.

Labcorp Genetics (formerly Invitae), Labcorp
Classification: Benign for Hypertrophic cardiomyopathy 14. Last evaluated: 2026-01-28. Review status: criteria provided, single submitter. Criteria: Invitae Variant Classification Sherloc (09022015). Collection method: clinical testing. Allele origin: germline.

ARUP Laboratories, Molecular Genetics and Genomics, ARUP Laboratories
Classification: Benign. Last evaluated: 2025-05-14. Review status: criteria provided, single submitter. Criteria: ARUP Molecular Germline Variant Investigation Process 2024. Collection method: clinical testing. Allele origin: germline.

Blueprint Genetics
Classification: Likely benign. Last evaluated: 2024-10-17. Review status: criteria provided, single submitter. Criteria: ACMG Guidelines, 2015. Collection method: clinical testing. Allele origin: germline.

CeGaT Center for Human Genetics Tuebingen
Classification: Likely benign. Last evaluated: 2024-01-01. Review status: criteria provided, single submitter. Criteria: CeGaT Center For Human Genetics Tuebingen Variant Classification Criteria Version 2. Collection method: clinical testing. Allele origin: germline. Affected: yes. Observed: 1 variant allele.
Comment: MYH6: BP4, BP7

GeneDx
Classification: Likely benign. Last evaluated: 2020-12-15. Review status: criteria provided, single submitter. Criteria: GeneDx Variant Classification Process June 2021. Collection method: clinical testing. Allele origin: germline. Affected: yes.

Eurofins Ntd Llc (ga)
Classification: Uncertain significance. Last evaluated: 2014-12-16. Review status: criteria provided, single submitter. Criteria: EGL Classification Definitions 2015. Collection method: clinical testing. Allele origin: germline. Observed: 1 variant allele, 1 heterozygote.

Laboratory for Molecular Medicine, Mass General Brigham Personalized Medicine
Classification: Benign. Last evaluated: 2012-02-07. Review status: criteria provided, single submitter. Criteria: LMM Criteria. Collection method: clinical testing. Allele origin: germline. Observed: 6 variant alleles.
Comment: Benign based on high population frequency (17/3755 chromosomes).

PreventionGenetics, part of Exact Sciences
Classification: Benign for MYH6-related condition. Last evaluated: 2019-06-07. Review status: no assertion criteria provided. Collection method: clinical testing. Allele origin: germline. Not counted in ClinVar's aggregate classification.
Comment: This variant is classified as benign based on ACMG/AMP sequence variant interpretation guidelines (Richards et al. 2015 PMID: 25741868, with internal and published modifications).

Clinical Genetics DNA and cytogenetics Diagnostics Lab, Erasmus MC, Erasmus Medical Center
Classification: Likely benign. Review status: no assertion criteria provided. Collection method: clinical testing. Allele origin: germline. Affected: yes. Study: VKGL Data-share Consensus. Not counted in ClinVar's aggregate classification.

Clinical Genetics, Academic Medical Center
Classification: Benign. Review status: no assertion criteria provided. Collection method: clinical testing. Allele origin: germline. Affected: yes. Study: VKGL Data-share Consensus. Not counted in ClinVar's aggregate classification.

Genome Diagnostics Laboratory, University Medical Center Utrecht
Classification: Likely benign. Review status: no assertion criteria provided. Collection method: clinical testing. Allele origin: germline. Affected: yes. Study: VKGL Data-share Consensus. Not counted in ClinVar's aggregate classification.

NM_002471.4(MYH6):c.5400C>T (p.Asp1800=)

Gene: MYH6 (myosin heavy chain 6; minus strand). Cytogenetic location: 14q11.2.
Variant type: single nucleotide variant.
Coding change: c.5400C>T on transcript NM_002471.4 (MANE Select); coding-DNA position 5400, C replaced by T.
Protein change: p.Asp1800=; no amino-acid change (aspartic acid 1800 retained).
Molecular consequence: synonymous variant.
Genome position (GRCh38, 1-based): chr14:23,384,607, G>A on the plus strand (C>T on the coding strand, the complement: MYH6 is on the minus strand). VCF-style: chr14-23384607-G-A. GRCh37 (hg19) VCF-style: chr14-23853816-G-A.
Identifiers: ClinVar variation 44535 (VCV000044535.50), dbSNP rs144329079, ClinGen allele CA134472.
Genomic context (GRCh38, chr14:23,384,607, plus strand): 5'-CCGCGCTTCCAGCTTCTGCAGCTGCTTCTTGCCTCCCTTGAGGGCGATCTGCTCGGCCTC[G>A]TCCAGCCGGTGCTGCAGGTCCTTAATGGTCTGCTCCATGTTCTTCTTCATGCGCTCCAGG-3'
Protein context (NP_002462.2, residues 1790-1810): QTIKDLQHRL[Asp1800=]EAEQIALKGG